The following is an entry in ClinVar:

ClinVar aggregate classification (germline): Pathogenic (1 of 4 stars; one submission).

Conditions:
X-linked Alport syndrome (ATS1). Also called: NEPHROPATHY AND DEAFNESS, X-LINKED; COL4A5-Related Nephropathy. Identifiers: Orphanet 63, Orphanet 88917, MedGen C4746986, MONDO:0010520, OMIM 301050.

Submission:

Clinical Genetics Laboratory, Skane University Hospital Lund
Classification: Pathogenic for X-linked Alport syndrome. Last evaluated: 2025-07-15. Review status: criteria provided, single submitter. Criteria: ACMG Guidelines, 2015. Collection method: clinical testing. Allele origin: germline. Affected: yes.
Comment: ACMG criteria used: PVS1_Moderate, PS4_Supporting, PM2, PP1, PP4_Strong

NM_033380.3(COL4A5):c.385-1G>C

Gene: COL4A5 (collagen type IV alpha 5 chain; plus strand). Cytogenetic location: Xq22.3.
Variant type: single nucleotide variant.
Coding change: c.385-1G>C on transcript NM_033380.3 (MANE Select); the canonical splice acceptor site of the intron before coding-DNA position 385, G replaced by C.
Molecular consequence: splice acceptor variant.
Genome position (GRCh38, 1-based): chrX:108,571,412, G>C. VCF-style: chrX-108571412-G-C. GRCh37 (hg19) VCF-style: chrX-107814642-G-C.
Other names: c.385-1G>C (NM_000495.5).
Identifiers: ClinVar variation 4056461 (VCV004056461.1), dbSNP rs104886395.
Genomic context (GRCh38, chrX:108,571,412, plus strand): 5'-GATGGTATAGTTATTCTTTGTTTCTTGTTCCTCCATGCTCTTTATTTTTAACTCCTTCTA[G>C]GGAGAACGTGGATTTCCAGGCAGTCCCGGTTTTCCTGGTTTACAGGGTCCTCCAGTAAGT-3'